The following is an entry in ClinVar:

ClinVar aggregate classification (germline): Likely pathogenic. Review status: criteria provided, multiple submitters, no conflicts (2 of 4 stars). 2 submissions from 2 submitters: Likely pathogenic (2). Last evaluated 2026-05-22.

Conditions:
Hereditary cancer-predisposing syndrome. Also called: Neoplastic Syndromes, Hereditary; Hereditary neoplastic syndrome; Hereditary Cancer Syndrome; Tumor predisposition. Identifiers: Orphanet 140162, MedGen C0027672, MeSH D009386, MONDO:0015356.

Submissions (3):

Ambry Genetics
Classification: Likely pathogenic for Hereditary cancer-predisposing syndrome. Last evaluated: 2026-05-22. Review status: criteria provided, single submitter. Criteria: Ambry Variant Classification Scheme 2023. Collection method: clinical testing. Allele origin: germline.
Comment: The c.1237-1G>T intronic variant results from a G to T substitution one nucleotide upstream from coding exon 9 of the FH gene. Alterations that disrupt the canonical splice site are expected to cause aberrant splicing, resulting in an abnormal protein or a transcript that is subject to nonsense-mediated mRNA decay. This variant was reported in individual(s) with features consistent with FH-related disease ( Ambry internal data). In silico splice site analysis predicts that this alteration will weaken the native splice acceptor site and will result in the creation or strengthening of a novel splice acceptor site. RNA studies have demonstrated that this variant results in abnormal splicing in the set of samples tested (Ambry internal data). This nucleotide position is highly conserved in available vertebrate species. This variant is considered to be rare based on population cohorts in the Genome Aggregation Database (gnomAD). As such, this alteration is classified as likely pathogenic.

Labcorp Genetics (formerly Invitae), Labcorp
Classification: Likely pathogenic. Last evaluated: 2024-11-19. Review status: criteria provided, single submitter. Criteria: Invitae Variant Classification Sherloc (09022015). Collection method: clinical testing. Allele origin: germline.
Comment: This sequence change affects an acceptor splice site in intron 8 of the FH gene. It is expected to disrupt RNA splicing. Variants that disrupt the donor or acceptor splice site typically lead to a loss of protein function (PMID: 16199547), and loss-of-function variants in FH are known to be pathogenic (PMID: 11865300, 21398687). This variant is not present in population databases (gnomAD no frequency). This variant has not been reported in the literature in individuals affected with FH-related conditions. ClinVar contains an entry for this variant (Variation ID: 818670). Algorithms developed to predict the effect of sequence changes on RNA splicing suggest that this variant may disrupt the consensus splice site. In summary, the currently available evidence indicates that the variant is pathogenic, but additional data are needed to prove that conclusively. Therefore, this variant has been classified as Likely Pathogenic.

Dr. Peter K. Rogan Lab, Western University
No classification provided (evidence only). Condition: Ovarian serous cystadenocarcinoma. Review status: no classification provided. Collection method: in vitro. Allele origin: not applicable. Functional consequence: retained intron. Not counted in ClinVar's aggregate classification.

Literature cited by the submitters: PubMed 16199547 (cited by Labcorp Genetics (formerly Invitae), Labcorp); PubMed 11865300 (cited by Labcorp Genetics (formerly Invitae), Labcorp); PubMed 21398687 (cited by Labcorp Genetics (formerly Invitae), Labcorp).

NM_000143.4(FH):c.1237-1G>T

Gene: FH (fumarate hydratase; minus strand). Cytogenetic location: 1q43.
Variant type: single nucleotide variant.
Coding change: c.1237-1G>T on transcript NM_000143.4 (MANE Select); the canonical splice acceptor site of the intron before coding-DNA position 1237, G replaced by T.
Molecular consequence: splice acceptor variant.
Genome position (GRCh38, 1-based): chr1:241,500,591, C>A on the plus strand (G>T on the coding strand, the complement: FH is on the minus strand). VCF-style: chr1-241500591-C-A. GRCh37 (hg19) VCF-style: chr1-241663891-C-A.
Identifiers: ClinVar variation 818670 (VCV000818670.14), dbSNP rs1573878149, ClinGen allele CA345436973.